The following is an entry in ClinVar:

ClinVar aggregate classification (germline): Conflicting classifications of pathogenicity. Review status: criteria provided, conflicting classifications (1 of 4 stars). 13 submissions from 13 submitters: Pathogenic (6); Likely pathogenic (4); Uncertain significance (1). 2 of the submissions do not count toward it. Last evaluated 2026-01-12.

Conditions:
Fanconi anemia (FA). Also called: Fanconi's anemia. Identifiers: Orphanet 84, MedGen C0015625, MeSH D005199, MONDO:0019391.
Carcinoma of pancreas. Also called: Pancreatic carcinoma, somatic; Pancreatic cancer, somatic; Exocrine pancreatic carcinoma; PANCREATIC ACINAR CARCINOMA; PANCREATIC CARCINOMA. Identifiers: Orphanet 1333, Orphanet 217074, MedGen C0235974, MONDO:0005192. Disease mechanism: loss of function.
FANCE-related disorders.
Fanconi anemia complementation group E (FANCE). Also called: FANCE-Related Fanconi Anemia. Identifiers: Orphanet 84, MedGen C3160739, MONDO:0010953, OMIM 600901.

Submissions (13):

Women's Health and Genetics/Laboratory Corporation of America, LabCorp
Classification: Pathogenic for Fanconi anemia. Last evaluated: 2026-01-12. Review status: criteria provided, single submitter. Criteria: LabCorp Variant Classification Summary - May 2015. Collection method: clinical testing. Allele origin: germline.
Comment: Variant summary: FANCE c.929dupC (p.Val311SerfsX2) results in a premature termination codon, predicted to cause a truncation of the encoded protein or absence of the protein due to nonsense mediated decay, which are commonly known mechanisms for disease. The variant allele was found at a frequency of 0.00011 in 1613614 control chromosomes. This frequency is not significantly higher than estimated for disease-causing variants in FANCE, allowing no conclusion about variant significance. c.929dupC has been observed in individual(s) affected with Fanconi Anemia (e.g., Bogliolo_2020, Hou_2020). The following publications have been ascertained in the context of this evaluation (PMID: 31586946, 31980526). ClinVar contains an entry for this variant (Variation ID: 655390). Based on the evidence outlined above, the variant was classified as pathogenic.

Labcorp Genetics (formerly Invitae), Labcorp
Classification: Pathogenic for Fanconi anemia complementation group E. Last evaluated: 2025-12-23. Review status: criteria provided, single submitter. Criteria: Invitae Variant Classification Sherloc (09022015). Collection method: clinical testing. Allele origin: germline.
Comment: This sequence change creates a premature translational stop signal (p.Val311Serfs*2) in the FANCE gene. It is expected to result in an absent or disrupted protein product. Loss-of-function variants in FANCE are known to be pathogenic (PMID: 11001585, 17924555). The frequency data for this variant in the population databases is considered unreliable, as metrics indicate poor data quality at this position in the gnomAD database. This premature translational stop signal has been observed in individual(s) with esophageal and breast cancer (PMID: 21279724, 26822949). ClinVar contains an entry for this variant (Variation ID: 655390). For these reasons, this variant has been classified as Pathogenic.

Dasa
Classification: Likely pathogenic. Last evaluated: 2025-08-04. Review status: criteria provided, single submitter. Criteria: DASA Assertion Criteria. Collection method: clinical testing. Allele origin: germline.
Comment: NM_021922.3(FANCE):c.929dup (p.Val311SerfsTer2) is a frameshift variant in FANCE predicted to alter the reading frame and introduce a premature termination codon and is predicted to result in an absent or altered protein product. Loss of function is an established disease mechanism for FANCE-associated disorders. This variant has been reported in individuals with FANCE-related disorders (PMID: 26822949). Also, this variant is rare in population databases. Based on the currently available evidence, this variant is classified as likely pathogenic.

Laboratorio de Genetica e Diagnostico Molecular, Hospital Israelita Albert Einstein
Classification: Pathogenic for Fanconi anemia complementation group E. Last evaluated: 2025-03-14. Review status: criteria provided, single submitter. Criteria: ACMG Guidelines, 2015. Collection method: clinical testing. Allele origin: germline. Affected: yes.
Comment: ACMG classification criteria: PVS1 very strong, PS4 supporting, PM2 supporting

Blueprint Genetics
Classification: Likely pathogenic for FANCE-related disorders. Last evaluated: 2024-11-01. Review status: criteria provided, single submitter. Criteria: ACMG Guidelines, 2015. Collection method: clinical testing. Allele origin: germline. Affected: yes. Observed: 5 variant alleles.

Baylor Genetics
Classification: Likely pathogenic for Fanconi anemia complementation group E. Last evaluated: 2024-03-25. Review status: criteria provided, single submitter. Criteria: ACMG Guidelines, 2015. Collection method: clinical testing. Allele origin: unknown.

GeneDx
Classification: Uncertain significance. Last evaluated: 2024-02-16. Review status: criteria provided, single submitter. Criteria: GeneDx Variant Classification Process June 2021. Collection method: clinical testing. Allele origin: germline. Affected: yes.
Comment: Frameshift variant predicted to result in protein truncation or nonsense mediated decay in a gene for which loss of function is a known mechanism of disease; This variant is associated with the following publications: (PMID: 21279724, 26822949, 30625039, 29628290, 27150160, 30306255, 31586946, 31980526, 36409970, 32659967)

Department of Pathology and Laboratory Medicine, Sinai Health System
Classification: Likely pathogenic for Fanconi anemia complementation group E. Last evaluated: 2022-06-22. Review status: criteria provided, single submitter. Criteria: ACMG Guidelines, 2015. Collection method: research. Allele origin: germline.

Revvity Omics, Revvity
Classification: Pathogenic for Fanconi anemia complementation group E. Last evaluated: 2022-03-30. Review status: criteria provided, single submitter. Criteria: ACMG Guidelines, 2015. Collection method: clinical testing. Allele origin: germline.

Institute for Clinical Genetics, University Hospital TU Dresden, University Hospital TU Dresden
Classification: Pathogenic. Last evaluated: 2021-11-03. Review status: criteria provided, single submitter. Criteria: ACMG Guidelines, 2015. Collection method: clinical testing. Allele origin: germline.

Fulgent Genetics
Classification: Pathogenic for Fanconi anemia complementation group E. Last evaluated: 2021-06-30. Review status: criteria provided, single submitter. Criteria: ACMG Guidelines, 2015. Collection method: clinical testing. Allele origin: unknown.
Comment: This variant has been detected in individual(s) who were sent for testing of Renasight - kidney gene panel.

CZECANCA consortium
Classification: Pathogenic for Carcinoma of pancreas. Last evaluated: 2021-03-04. Review status: no assertion criteria provided. Collection method: case-control. Allele origin: germline. Affected: yes. Observed: 1 variant allele. Not counted in ClinVar's aggregate classification.

Leiden Open Variation Database
Classification: Uncertain significance. Last evaluated: 2019-07-20. Review status: no assertion criteria provided. Collection method: curation. Allele origin: germline. Affected: yes. Not counted in ClinVar's aggregate classification.
Comment: Curator: Arleen D. Auerbach. Submitter to LOVD: Zdenek Kleibl.

Literature cited by the submitters: PubMed 31980526 (cited by Women's Health and Genetics/Laboratory Corporation of America, LabCorp); PubMed 31586946 (cited by Women's Health and Genetics/Laboratory Corporation of America, LabCorp); PubMed 11001585 (cited by Labcorp Genetics (formerly Invitae), Labcorp); PubMed 17924555 (cited by Labcorp Genetics (formerly Invitae), Labcorp); PubMed 21279724 (cited by Labcorp Genetics (formerly Invitae), Labcorp and Dasa); PubMed 26822949 (cited by 3 submitters).

NM_021922.3(FANCE):c.929dup (p.Val311fs)

Gene: FANCE (FA complementation group E; plus strand). Cytogenetic location: 6p21.31.
Variant type: Duplication.
Coding change: c.929dup on transcript NM_021922.3 (MANE Select); coding-DNA position 929, one base duplicated (C; older notation c.929dupC).
Protein change: p.Val311fs; shifts the reading frame from valine 311.
Molecular consequence: frameshift variant.
Genome position (GRCh38, 1-based): chr6:35,457,944, C duplicated; the last of 7 consecutive C bases (chr6:35,457,938-35,457,944); duplicating any one gives the same sequence. VCF-style (leftmost placement, unchanged base first): chr6-35457937-G-GC. GRCh37 (hg19) VCF-style: chr6-35425714-G-GC.
Other names: c.929dupC (NM_021922.2, NM_021922.3); short protein forms V311fs.
Identifiers: ClinVar variation 655390 (VCV000655390.30), dbSNP rs587778337, ClinGen allele CA3771533.